The following is an entry in ClinVar:

ClinVar aggregate classification (germline): Pathogenic (1 of 4 stars; one submission).

Allele frequency attached by ClinVar (database versions not stated): gnomAD exomes below 0.00001; ExAC 0.00001; TOPMed 0.00001.
gnomAD v4.1: 5 of 1,614,128 alleles (0.00031%); highest among the groups gnomAD compares: South Asian, 0.0033%; no homozygotes.

Submission:

CeGaT Center for Human Genetics Tuebingen
Classification: Pathogenic. Last evaluated: 2022-06-01. Review status: criteria provided, single submitter. Criteria: CeGaT Center For Human Genetics Tuebingen Variant Classification Criteria Version 2. Collection method: clinical testing. Allele origin: germline. Affected: yes. Observed: 1 variant allele.
Comment: JAM3: PVS1, PM2, PM3:Supporting, PP4

NM_032801.5(JAM3):c.358C>T (p.Arg120Ter)

Gene: JAM3 (junctional adhesion molecule 3; plus strand). Cytogenetic location: 11q25.
Variant type: single nucleotide variant.
Coding change: c.358C>T on transcript NM_032801.5 (MANE Select); coding-DNA position 358, C replaced by T.
Protein change: p.Arg120Ter; replaces arginine 120 with a stop codon.
Molecular consequence: nonsense. On other transcripts: intron variant (1).
Genome position (GRCh38, 1-based): chr11:134,144,342, C>T. VCF-style: chr11-134144342-C-T. GRCh37 (hg19) VCF-style: chr11-134014237-C-T.
Other names: c.257-450C>T (NM_001205329.2); short protein forms R120*.
Identifiers: ClinVar variation 1701178 (VCV001701178.31), dbSNP rs750102309, ClinGen allele CA6370008.
Genomic context (GRCh38, chr11:134,144,342, plus strand): 5'-CTGAAGATCTGGAATGTGACACGGAGAGACTCAGCCCTTTATCGCTGTGAGGTCGTTGCT[C>T]GAAATGACCGCAAGGAAATTGATGAGATTGTGATCGAGTTAACTGTGCAAGGTAGGAGCT-3'